The following is an entry in ClinVar:

ClinVar aggregate classification (germline): not provided (0 of 4 stars; one submission).

Conditions:
Familial long QT syndrome (RWS). Also called: Congenital long QT syndrome; Romano-Ward syndrome; VENTRICULAR FIBRILLATION WITH PROLONGED QT INTERVAL. Identifiers: Orphanet 768, MedGen C1141890, MONDO:0019171.

Submission:

Cardiovascular Biomedical Research Unit, Royal Brompton & Harefield NHS Foundation Trust
No classification provided. Condition: Familial long QT syndrome. Review status: no classification provided. Collection method: literature only. Allele origin: germline.
Comment: This variant has been reported as associated with Long QT syndrome in the following publications (PMID:16414944;PMID:19716085). This is a literature report, and does not necessarily reflect the clinical interpretation of the Imperial College / Royal Brompton Cardiovascular Genetics laboratory.

Literature cited by the submitters: PubMed 16414944; PubMed 19716085; PubMed 22581653.

NM_000238.4(KCNH2):c.1715G>A (p.Gly572Asp)

Gene: KCNH2 (potassium voltage-gated channel subfamily H member 2; minus strand). Cytogenetic location: 7q36.1.
Variant type: single nucleotide variant.
Coding change: c.1715G>A on transcript NM_000238.4 (MANE Select); coding-DNA position 1715, G replaced by A.
Protein change: p.Gly572Asp; replaces glycine 572 with aspartic acid.
Molecular consequence: missense variant.
Genome position (GRCh38, 1-based): chr7:150,951,678, C>T on the plus strand (G>A on the coding strand, the complement: KCNH2 is on the minus strand). VCF-style: chr7-150951678-C-T. GRCh37 (hg19) VCF-style: chr7-150648766-C-T.
Other names: c.1715G>A (LRG_288t1); c.695G>A, p.Gly232Asp (NM_001204798.2, NM_172057.3); c.1427G>A, p.Gly476Asp (NM_001406753.1, NM_001406756.1); c.1538G>A, p.Gly513Asp (NM_001406755.1); c.1415G>A, p.Gly472Asp (NM_001406757.1); c.1715G>A, p.Gly572Asp (NM_172056.3); short protein forms G232D, G572D, G513D, G472D, G476D.
Identifiers: ClinVar variation 67250 (VCV000067250.3), dbSNP rs199473423, ClinGen allele CA005265.